The following is an entry in ClinVar:

ClinVar aggregate classification (germline): Uncertain significance (1 of 4 stars; one submission).

gnomAD v4.1: 5 of 1,609,604 alleles (0.00031%); highest among the groups gnomAD compares: Non-Finnish European, 0.00034%; no homozygotes.

Submission:

Labcorp Genetics (formerly Invitae), Labcorp
Classification: Uncertain significance. Last evaluated: 2024-02-07. Review status: criteria provided, single submitter. Criteria: Invitae Variant Classification Sherloc (09022015). Collection method: clinical testing. Allele origin: germline.
Comment: This sequence change replaces tyrosine, which is neutral and polar, with cysteine, which is neutral and slightly polar, at codon 315 of the RHOBTB2 protein (p.Tyr315Cys). This variant is not present in population databases (gnomAD no frequency). This variant has not been reported in the literature in individuals affected with RHOBTB2-related conditions. Advanced modeling of protein sequence and biophysical properties (such as structural, functional, and spatial information, amino acid conservation, physicochemical variation, residue mobility, and thermodynamic stability) performed at Invitae indicates that this missense variant is not expected to disrupt RHOBTB2 protein function with a negative predictive value of 80%. In summary, the available evidence is currently insufficient to determine the role of this variant in disease. Therefore, it has been classified as a Variant of Uncertain Significance.

NM_015178.3(RHOBTB2):c.878A>G (p.Tyr293Cys)

Gene: RHOBTB2 (Rho related BTB domain containing 2; plus strand). Cytogenetic location: 8p21.3.
Variant type: single nucleotide variant.
Coding change: c.878A>G on transcript NM_015178.3 (MANE Select); coding-DNA position 878, A replaced by G.
Protein change: p.Tyr293Cys; replaces tyrosine 293 with cysteine.
Molecular consequence: missense variant.
Genome position (GRCh38, 1-based): chr8:23,007,123, A>G. VCF-style: chr8-23007123-A-G. GRCh37 (hg19) VCF-style: chr8-22864636-A-G.
Other names: c.944A>G, p.Tyr315Cys (NM_001160036.2); c.899A>G, p.Tyr300Cys (NM_001160037.2); c.878A>G, p.Tyr293Cys (NM_001374791.1); short protein forms Y293C, Y300C, Y315C.
Identifiers: ClinVar variation 3610910 (VCV003610910.2).